The following is an entry in ClinVar:

NM_000782.5(CYP24A1):c.*140T>C

Gene: CYP24A1 (cytochrome P450 family 24 subfamily A member 1; minus strand). Cytogenetic location: 20q13.2.
Variant type: single nucleotide variant.
Coding change: c.*140T>C on transcript NM_000782.5 (MANE Select); 140 bases downstream of the stop codon, T replaced by C.
Molecular consequence: 3 prime UTR variant.
Genome position (GRCh38, 1-based): chr20:54,154,632, A>G on the plus strand (T>C on the coding strand, the complement: CYP24A1 is on the minus strand). VCF-style: chr20-54154632-A-G. GRCh37 (hg19) VCF-style: chr20-52771171-A-G.
Other names: c.*140T>C (NM_001128915.2).
Identifiers: ClinVar variation 338806 (VCV000338806.7), dbSNP rs4809957, ClinGen allele CA10644109.
Genomic context (GRCh38, chr20:54,154,632, plus strand): 5'-ACAAGTGCCAGCCTCCCTTTCATGTCATGGAAGATGCAAGACAGAACAGGCTCCCAGGCC[A>G]TTCTAAGCACCTGAAGATGGTGCTGACACAGGTGAAGTGTAAACCAGCAGTGAACCCTGT-3'

ClinVar aggregate classification (germline): Benign. Review status: criteria provided, multiple submitters, no conflicts (2 of 4 stars). 2 submissions from 2 submitters: Benign (2). Last evaluated 2018-01-13.

Conditions:
Hypercalcemia, infantile, 1 (HCINF1). Identifiers: Orphanet 300547, MedGen CN031131, MONDO:0020739, OMIM 143880.

Allele frequency attached by ClinVar (database versions not stated): gnomAD 0.28683 and 0.29225; gnomAD exomes 0.26849; TOPMed 0.30053; 1000 Genomes Project 0.39657; 1000 Genomes Project 30x 0.39225.
gnomAD v4.1: 45,034 of 155,000 alleles (29%); highest among the groups gnomAD compares: East Asian, 61%; 7,480 homozygotes.

Submissions (2):

Illumina Laboratory Services, Illumina
Classification: Benign for Hypercalcemia, infantile, 1. Last evaluated: 2018-01-13. Review status: criteria provided, single submitter. Criteria: ICSL Variant Classification Criteria 13 December 2019. Collection method: clinical testing. Allele origin: germline.
Comment: This variant was observed in the ICSL laboratory as part of a predisposition screen in an ostensibly healthy population. It had not been previously curated by ICSL or reported in the Human Gene Mutation Database (HGMD: prior to June 1st, 2018), and was therefore a candidate for classification through an automated scoring system. Utilizing variant allele frequency, disease prevalence and penetrance estimates, and inheritance mode, an automated score was calculated to assess if this variant is too frequent to cause the disease. Based on the score and internal cut-off values, a variant classified as benign is not then subjected to further curation. The score for this variant resulted in a classification of benign for this disease.

Breakthrough Genomics
Classification: Benign. Review status: criteria provided, single submitter. Criteria: ACMG Guidelines, 2015. Collection method: not provided. Allele origin: germline. Inheritance: Autosomal recessive inheritance. Affected: yes.